The following is an entry in ClinVar:

ClinVar aggregate classification (germline): Uncertain significance. Review status: criteria provided, multiple submitters, no conflicts (2 of 4 stars). 2 submissions from 2 submitters: Uncertain significance (2). Last evaluated 2025-03-01.

Conditions:
CELSR1-related disorder. Also called: CELSR1-related condition.

Allele frequency attached by ClinVar (database versions not stated): TOPMed 0.00019; 1000 Genomes Project 30x 0.00031.
gnomAD v4.1: 26 of 1,100,356 alleles (0.0024%); highest among the groups gnomAD compares: African/African-American, 0.044%; no homozygotes.

Submissions (2):

Ambry Genetics
Classification: Uncertain significance. Last evaluated: 2025-03-01. Review status: criteria provided, single submitter. Criteria: Ambry Variant Classification Scheme 2023. Collection method: clinical testing. Allele origin: germline.

PreventionGenetics, part of Exact Sciences
Classification: Uncertain significance for CELSR1-related condition. Last evaluated: 2023-02-06. Review status: criteria provided, single submitter. Criteria: ACMG Guidelines, 2015. Collection method: clinical testing. Allele origin: germline.
Comment: The CELSR1 c.137C>A variant is predicted to result in the amino acid substitution p.Pro46His. To our knowledge, this variant has not been reported in the literature. This variant is reported in 0.049% of alleles in individuals of African descent in gnomAD. At this time, the clinical significance of this variant is uncertain due to the absence of conclusive functional and genetic evidence.

NM_001378328.1(CELSR1):c.137C>A (p.Pro46His)

Gene: CELSR1 (cadherin EGF LAG seven-pass G-type receptor 1; minus strand). Cytogenetic location: 22q13.31.
Variant type: single nucleotide variant.
Coding change: c.137C>A on transcript NM_001378328.1 (MANE Select); coding-DNA position 137, C replaced by A.
Protein change: p.Pro46His; replaces proline 46 with histidine.
Molecular consequence: missense variant.
Genome position (GRCh38, 1-based): chr22:46,537,034, G>T on the plus strand (C>A on the coding strand, the complement: CELSR1 is on the minus strand). VCF-style: chr22-46537034-G-T. GRCh37 (hg19) VCF-style: chr22-46932931-G-T.
Other names: c.137C>A, p.Pro46His (NM_014246.4); short protein forms P46H.
Identifiers: ClinVar variation 2636068 (VCV002636068.2), dbSNP rs560689105, ClinGen allele CA325178041.